The following is an entry in ClinVar:

ClinVar aggregate classification (germline): Uncertain significance (1 of 4 stars; one submission).

Conditions:
Costello syndrome (CSTLO). Also called: FCS SYNDROME; FACIOCUTANEOSKELETAL SYNDROME; HRAS-Related Costello Syndrome. Identifiers: Orphanet 3071, MedGen C0587248, MONDO:0009026, OMIM 218040.

Submission:

Labcorp Genetics (formerly Invitae), Labcorp
Classification: Uncertain significance for Costello syndrome. Last evaluated: 2022-08-16. Review status: criteria provided, single submitter. Criteria: Invitae Variant Classification Sherloc (09022015). Collection method: clinical testing. Allele origin: germline.
Comment: In summary, the available evidence is currently insufficient to determine the role of this variant in disease. Therefore, it has been classified as a Variant of Uncertain Significance. Advanced modeling of protein sequence and biophysical properties (such as structural, functional, and spatial information, amino acid conservation, physicochemical variation, residue mobility, and thermodynamic stability) performed at Invitae indicates that this missense variant is not expected to disrupt HRAS protein function. ClinVar contains an entry for this variant (Variation ID: 1369069). This variant has not been reported in the literature in individuals affected with HRAS-related conditions. This variant is not present in population databases (gnomAD no frequency). This sequence change replaces cysteine, which is neutral and slightly polar, with tyrosine, which is neutral and polar, at codon 184 of the HRAS protein (p.Cys184Tyr).

NM_005343.4(HRAS):c.551G>A (p.Cys184Tyr)

Genes: HRAS (HRas proto-oncogene, GTPase; minus strand), LRRC56 (leucine rich repeat containing 56; plus strand). Cytogenetic location: 11p15.5.
Variant type: single nucleotide variant.
Coding change: c.551G>A on transcript NM_005343.4 (MANE Select); coding-DNA position 551, G replaced by A.
Protein change: p.Cys184Tyr; replaces cysteine 184 with tyrosine.
Molecular consequence: missense variant. On other transcripts: 3 prime UTR variant (1).
Genome position (GRCh38, 1-based): chr11:532,655, C>T on the plus strand (G>A on the coding strand, the complement: HRAS is on the minus strand). VCF-style: chr11-532655-C-T. GRCh37 (hg19) VCF-style: chr11-532655-C-T.
Other names: c.551G>A, p.Cys184Tyr (NM_001130442.3); c.314G>A, p.Cys105Tyr (NM_001318054.2); c.*120G>A (NM_176795.5); short protein forms C105Y, C184Y.
Identifiers: ClinVar variation 1369069 (VCV001369069.8), dbSNP rs2133982018, ClinGen allele CA378920919.
Genomic context (GRCh38, chr11:532,655, plus strand): 5'-GGTGGGCGTGGCGGCCGCCCTGGGAGTCCCCCTCACCTGCGTCAGGAGAGCACACACTTG[C>T]AGCTCATGCAGCCGGGGCCACTCTCATCAGGAGGGTTCAGCTTCCGCAGCTTGTGCTGCC-3'
Protein context (NP_005334.1, residues 174-189): PDESGPGCMS[Cys184Tyr]KCVLS